The following is an entry in ClinVar:

ClinVar aggregate classification (germline): Conflicting classifications of pathogenicity. Review status: criteria provided, conflicting classifications (1 of 4 stars). 5 submissions from 5 submitters: Uncertain significance (3); Likely benign (2). Last evaluated 2026-01-16.

Conditions:
MET-related disorder. Also called: MET-related condition.
Renal cell carcinoma. Identifiers: Orphanet 217071, MedGen C0007134, MeSH D002292, MONDO:0005086, HP:0005584.
Hereditary cancer-predisposing syndrome. Also called: Hereditary neoplastic syndrome; Tumor predisposition; Hereditary Cancer Syndrome; Neoplastic Syndromes, Hereditary. Identifiers: Orphanet 140162, MedGen C0027672, MeSH D009386, MONDO:0015356.

Allele frequency attached by ClinVar (database versions not stated): ExAC 0.00001; gnomAD exomes 0.00001 and 0.00002; gnomAD 0.00009 and 0.00010; TOPMed 0.00016; ESP Exome Variant Server 0.00025.
gnomAD v4.1: 27 of 1,613,604 alleles (0.0017%); highest among the groups gnomAD compares: African/African-American, 0.035%; no homozygotes.

Submissions (5):

Labcorp Genetics (formerly Invitae), Labcorp
Classification: Likely benign for Renal cell carcinoma. Last evaluated: 2026-01-16. Review status: criteria provided, single submitter. Criteria: Invitae Variant Classification Sherloc (09022015). Collection method: clinical testing. Allele origin: germline.

Quest Diagnostics Nichols Institute San Juan Capistrano
Classification: Uncertain significance. Last evaluated: 2025-05-09. Review status: criteria provided, single submitter. Criteria: Quest Diagnostics criteria. Collection method: clinical testing. Allele origin: unknown.

GeneDx
Classification: Uncertain significance. Last evaluated: 2024-02-12. Review status: criteria provided, single submitter. Criteria: GeneDx Variant Classification Process June 2021. Collection method: clinical testing. Allele origin: germline. Affected: yes.
Comment: In silico analysis supports that this missense variant does not alter protein structure/function; Has not been previously published as pathogenic or benign to our knowledge; In silico analysis is inconclusive as to whether the variant alters gene splicing. In the absence of RNA/functional studies, the actual effect of this sequence change is unknown

PreventionGenetics, part of Exact Sciences
Classification: Uncertain significance for MET-related condition. Last evaluated: 2023-09-03. Review status: criteria provided, single submitter. Criteria: ACMG Guidelines, 2015. Collection method: clinical testing. Allele origin: germline.
Comment: The MET c.2110A>G variant is predicted to result in the amino acid substitution p.Asn704Asp. To our knowledge, this variant has not been reported in the literature. This variant is reported in 0.029% of alleles in individuals of African descent in gnomAD. In ClinVar, this variant has conflicting interpretations ranging from likely benign to uncertain. At this time, the clinical significance of this variant is uncertain due to the absence of conclusive functional and genetic evidence.

Ambry Genetics
Classification: Likely benign for Hereditary cancer-predisposing syndrome. Last evaluated: 2019-04-22. Review status: criteria provided, single submitter. Criteria: Ambry Variant Classification Scheme 2023. Collection method: clinical testing. Allele origin: germline.

NM_000245.4(MET):c.2110A>G (p.Asn704Asp)

Gene: MET (MET proto-oncogene, receptor tyrosine kinase; plus strand). Cytogenetic location: 7q31.2.
Variant type: single nucleotide variant.
Coding change: c.2110A>G on transcript NM_000245.4 (MANE Select); coding-DNA position 2110, A replaced by G.
Protein change: p.Asn704Asp; replaces asparagine 704 with aspartic acid.
Molecular consequence: missense variant.
Genome position (GRCh38, 1-based): chr7:116,758,466, A>G. VCF-style: chr7-116758466-A-G. GRCh37 (hg19) VCF-style: chr7-116398520-A-G.
Other names: c.2110A>G, p.Asn704Asp (NM_001127500.3, NM_001324401.3); c.820A>G, p.Asn274Asp (NM_001324402.2); c.2110A>G (NM_001127500.2); short protein forms N704D, N274D.
Identifiers: ClinVar variation 219460 (VCV000219460.22), dbSNP rs373030463, ClinGen allele CA350478.
Genomic context (GRCh38, chr7:116,758,466, plus strand): 5'-AATATGTGTATCTCTAATAGCTAAAATTCACTTCCTTAATTTTTTTTGTTCAGTGTGTCA[A>G]ACAGTATTCTTGAATGTTATACCCCAGCCCAAACCATTTCAACTGAGTTTGCTGTTAAAT-3'
Protein context (NP_000236.2, residues 694-714): GKTCTLKSVS[Asn704Asp]SILECYTPAQ